The following is an entry in ClinVar:

ClinVar aggregate classification (germline): Pathogenic. Review status: criteria provided, multiple submitters, no conflicts (2 of 4 stars). 7 submissions from 6 submitters: Pathogenic (7). Last evaluated 2026-05-13.

Conditions:
RPGRIP1-related disorder. Also called: RPGRIP1-related condition.
Leber congenital amaurosis 6 (LCA6). Identifiers: Orphanet 65, MedGen C1854260, MONDO:0013446, OMIM 613826.
Cone-rod dystrophy 13 (CORD13). Identifiers: Orphanet 1872, MedGen C2750720, MONDO:0011987, OMIM 608194.

Allele frequency attached by ClinVar (database versions not stated): gnomAD 0.00003 and 0.00004; gnomAD exomes 0.00005 and 0.00003; 1000 Genomes Project 30x 0.00016; TOPMed 0.00003; ExAC 0.00004.
gnomAD v4.1: 78 of 1,608,760 alleles (0.0048%); highest among the groups gnomAD compares: Non-Finnish European, 0.0058%; no homozygotes.

Submissions (7):

PreventionGenetics, part of Exact Sciences
Classification: Pathogenic for RPGRIP1-related condition. Last evaluated: 2026-05-13. Review status: criteria provided, single submitter. Criteria: ACMG Guidelines, 2015. Collection method: clinical testing. Allele origin: germline.
Comment: The RPGRIP1 c.2302C>T variant is predicted to result in premature protein termination (p.Arg768*). This variant has been reported in the compound heterozygous state in individuals with Leber congenital amaurosis (Walia et al. 2010. PubMed ID: 20079931; Ge et al. 2015. PubMed ID: 26667666; Jamshidi et al. 2018. PubMed ID: 30072743; Appendix 5, Surl et al. 2020. PubMed ID: 32165824; Zhu et al. 2021. PubMed ID: 33970760). This variant is present in 0.010% of alleles in individuals of Ashkenazi Jewish descent in gnomAD. Nonsense variants in RPGRIP1 are an established mechanism of disease. Given the evidence, we interpret this variant as pathogenic.

GeneDx
Classification: Pathogenic. Last evaluated: 2025-01-06. Review status: criteria provided, single submitter. Criteria: GeneDx Variant Classification Process June 2021. Collection method: clinical testing. Allele origin: germline. Affected: yes.
Comment: Nonsense variant predicted to result in protein truncation or nonsense mediated decay in a gene for which loss of function is a known mechanism of disease; This variant is associated with the following publications: (PMID: 33970760, 26667666, 30072743, 31589614, 31964843, 32165824, 20079931)

Dasa
Classification: Pathogenic. Last evaluated: 2024-11-12. Review status: criteria provided, single submitter. Criteria: DASA Assertion Criteria. Collection method: clinical testing. Allele origin: germline.
Comment: NM_020366.4(RPGRIP1):c.2302C>T (p.Arg768*) introduces a premature termination codon predicted to result in loss of normal protein function. Loss-of-function is an established mechanism of disease for this gene. This variant has been observed in affected individuals with related phenotype in a genotype context consistent with recessive disease (PMID: 20079931; PMID: 26667666; PMID: 30072743; PMID: 33970760). This variant has been recurrently observed in individuals with related phenotype (PMID: 20079931; PMID: 26667666; PMID: 30072743; PMID: 33970760). The variant is present at low frequency in population datasets. Based on the available data, this variant is classified as pathogenic.

Labcorp Genetics (formerly Invitae), Labcorp
Classification: Pathogenic for Leber congenital amaurosis 6; Cone-rod dystrophy 13. Last evaluated: 2024-10-29. Review status: criteria provided, single submitter. Criteria: Invitae Variant Classification Sherloc (09022015). Collection method: clinical testing. Allele origin: germline.
Comment: This sequence change creates a premature translational stop signal (p.Arg768*) in the RPGRIP1 gene. It is expected to result in an absent or disrupted protein product. Loss-of-function variants in RPGRIP1 are known to be pathogenic (PMID: 11528500, 23105016). This variant is present in population databases (rs75459701, gnomAD 0.01%). This premature translational stop signal has been observed in individuals with Leber congenital amaurosis or retinitis pigmentosa (PMID: 20079931). ClinVar contains an entry for this variant (Variation ID: 566311). Algorithms developed to predict the effect of sequence changes on RNA splicing suggest that this variant may disrupt the consensus splice site. For these reasons, this variant has been classified as Pathogenic.

Blueprint Genetics
Classification: Pathogenic for RPGRIP1-related disorders. Last evaluated: 2023-07-17. Review status: criteria provided, single submitter. Criteria: ACMG Guidelines, 2015. Collection method: clinical testing. Allele origin: germline. Affected: yes. Observed: 5 variant alleles.

Genome-Nilou Lab
Classification: Pathogenic for Leber congenital amaurosis 6. Last evaluated: 2021-11-07. Review status: criteria provided, single submitter. Criteria: ACMG Guidelines, 2015. Collection method: clinical testing. Allele origin: germline. Affected: no.

Genome-Nilou Lab
Classification: Pathogenic for Cone-rod dystrophy 13. Last evaluated: 2021-11-07. Review status: criteria provided, single submitter. Criteria: ACMG Guidelines, 2015. Collection method: clinical testing. Allele origin: germline. Affected: no.

Literature cited by the submitters: PubMed 20079931 (cited by Dasa and Labcorp Genetics (formerly Invitae), Labcorp); PubMed 26667666 (cited by Dasa); PubMed 30072743 (cited by Dasa); PubMed 33970760 (cited by Dasa); PubMed 11528500 (cited by Labcorp Genetics (formerly Invitae), Labcorp); PubMed 23105016 (cited by Labcorp Genetics (formerly Invitae), Labcorp).

NM_020366.4(RPGRIP1):c.2302C>T (p.Arg768Ter)

Gene: RPGRIP1 (RPGR interacting protein 1; plus strand). Cytogenetic location: 14q11.2.
Variant type: single nucleotide variant.
Coding change: c.2302C>T on transcript NM_020366.4 (MANE Select); coding-DNA position 2302, C replaced by T.
Protein change: p.Arg768Ter; replaces arginine 768 with a stop codon.
Molecular consequence: nonsense. On other transcripts: intron variant (4).
Genome position (GRCh38, 1-based): chr14:21,325,318, C>T. VCF-style: chr14-21325318-C-T. GRCh37 (hg19) VCF-style: chr14-21793477-C-T.
Other names: c.1228C>T, p.Arg410Ter (NM_001377948.1); c.796+593C>T (NM_001377949.1); c.689-2305C>T (NM_001377523.1, NM_001377950.1); c.191-2305C>T (NM_001377951.1); short protein forms R768*, R410*.
Identifiers: ClinVar variation 566311 (VCV000566311.22), dbSNP rs75459701, ClinGen allele CA7089212.